The following is an entry in ClinVar:

ClinVar aggregate classification (germline): Conflicting classifications of pathogenicity. Review status: criteria provided, conflicting classifications (1 of 4 stars). 2 submissions from 2 submitters: Likely pathogenic (1); Uncertain significance (1). Last evaluated 2025-07-24.

gnomAD v4.1: 1 of 1,614,060 alleles (0.000062%); highest among the groups gnomAD compares: Non-Finnish European, 0.000085%; no homozygotes.

Submissions (2):

GeneDx
Classification: Uncertain significance. Last evaluated: 2025-07-24. Review status: criteria provided, single submitter. Criteria: GeneDx Variant Classification Process June 2021. Collection method: clinical testing. Allele origin: germline. Affected: yes.
Comment: Not observed at significant frequency in large population cohorts (gnomAD); In silico analysis suggests that this missense variant does not alter protein structure/function; Has not been previously published as pathogenic or benign to our knowledge

Labcorp Genetics (formerly Invitae), Labcorp
Classification: Likely pathogenic. Last evaluated: 2024-02-02. Review status: criteria provided, single submitter. Criteria: Invitae Variant Classification Sherloc (09022015). Collection method: clinical testing. Allele origin: germline.
Comment: This sequence change replaces valine, which is neutral and non-polar, with methionine, which is neutral and non-polar, at codon 162 of the KCNK4 protein (p.Val162Met). This variant is not present in population databases (gnomAD no frequency). This missense change has been observed in individual(s) with clinical features of KCNK4-related neurodevelopmental syndrome (Invitae). In at least one individual the variant was observed to be de novo. ClinVar contains an entry for this variant (Variation ID: 1393449). An algorithm developed to predict the effect of missense changes on protein structure and function (PolyPhen-2) suggests that this variant is likely to be disruptive. In summary, the currently available evidence indicates that the variant is pathogenic, but additional data are needed to prove that conclusively. Therefore, this variant has been classified as Likely Pathogenic.

NM_033310.3(KCNK4):c.484G>A (p.Val162Met)

Genes: KCNK4 (potassium two pore domain channel subfamily K member 4; plus strand), KCNK4-CATSPERZ (KCNK4-CATSPERZ readthrough (NMD candidate); plus strand). Cytogenetic location: 11q13.1.
Variant type: single nucleotide variant.
Coding change: c.484G>A on transcript NM_033310.3 (MANE Select); coding-DNA position 484, G replaced by A.
Protein change: p.Val162Met; replaces valine 162 with methionine.
Molecular consequence: missense variant. On other transcripts: non-coding transcript variant (1).
Genome position (GRCh38, 1-based): chr11:64,297,476, G>A. VCF-style: chr11-64297476-G-A. GRCh37 (hg19) VCF-style: chr11-64064948-G-A.
Other names: c.484G>A (NM_033310.2); c.484G>A, p.Val162Met (NM_001317090.2); short protein forms V162M.
Identifiers: ClinVar variation 1393449 (VCV001393449.7), dbSNP rs1565369710, ClinGen allele CA381165406.